The following is an entry in ClinVar:

ClinVar aggregate classification (germline): Uncertain significance (1 of 4 stars; one submission).

Conditions:
Developmental and epileptic encephalopathy, 54. Also called: Epileptic encephalopathy, early infantile, 54; HNRNPU-Related Neurodevelopmental Disorder. Identifiers: MedGen C4479319, MONDO:0033363, OMIM 617391.

Submission:

Labcorp Genetics (formerly Invitae), Labcorp
Classification: Uncertain significance for Developmental and epileptic encephalopathy, 54. Last evaluated: 2024-10-30. Review status: criteria provided, single submitter. Criteria: Invitae Variant Classification Sherloc (09022015). Collection method: clinical testing. Allele origin: germline.
Comment: This sequence change replaces arginine, which is basic and polar, with lysine, which is basic and polar, at codon 244 of the HNRNPU protein (p.Arg244Lys). This variant is not present in population databases (gnomAD no frequency). This variant has not been reported in the literature in individuals affected with HNRNPU-related conditions. ClinVar contains an entry for this variant (Variation ID: 2851388). Invitae Evidence Modeling of protein sequence and biophysical properties (such as structural, functional, and spatial information, amino acid conservation, physicochemical variation, residue mobility, and thermodynamic stability) indicates that this missense variant is not expected to disrupt HNRNPU protein function with a negative predictive value of 95%. In summary, the available evidence is currently insufficient to determine the role of this variant in disease. Therefore, it has been classified as a Variant of Uncertain Significance.

NM_031844.3(HNRNPU):c.731G>A (p.Arg244Lys)

Gene: HNRNPU (heterogeneous nuclear ribonucleoprotein U; minus strand). Cytogenetic location: 1q44.
Variant type: single nucleotide variant.
Coding change: c.731G>A on transcript NM_031844.3 (MANE Select); coding-DNA position 731, G replaced by A.
Protein change: p.Arg244Lys; replaces arginine 244 with lysine.
Molecular consequence: missense variant.
Genome position (GRCh38, 1-based): chr1:244,862,691, C>T on the plus strand (G>A on the coding strand, the complement: HNRNPU is on the minus strand). VCF-style: chr1-244862691-C-T. GRCh37 (hg19) VCF-style: chr1-245025993-C-T.
Other names: c.674G>A, p.Arg225Lys (NM_004501.3); short protein forms R225K, R244K.
Identifiers: ClinVar variation 2851388 (VCV002851388.3), dbSNP rs2527890435, ClinGen allele CA345495424.